The following is an entry in ClinVar:

NM_001854.4(COL11A1):c.24G>C (p.Trp8Cys)

Gene: COL11A1 (collagen type XI alpha 1 chain; minus strand). Cytogenetic location: 1p21.1.
Variant type: single nucleotide variant.
Coding change: c.24G>C on transcript NM_001854.4 (MANE Select); coding-DNA position 24, G replaced by C.
Protein change: p.Trp8Cys; replaces tryptophan 8 with cysteine.
Molecular consequence: missense variant. On other transcripts: non-coding transcript variant (1).
Genome position (GRCh38, 1-based): chr1:103,108,155, C>G on the plus strand (G>C on the coding strand, the complement: COL11A1 is on the minus strand). VCF-style: chr1-103108155-C-G. GRCh37 (hg19) VCF-style: chr1-103573711-C-G.
Other names: c.24G>C, p.Trp8Cys (NM_001168249.1, NM_001190709.2, NM_080629.3 and 1 more transcripts); short protein forms W8C.
Identifiers: ClinVar variation 3047366 (VCV003047366.2), dbSNP rs1674862237, ClinGen allele CA341159879.
Genomic context (GRCh38, chr1:103,108,155, plus strand): 5'-GAAGAGGAAGGTCAATGCGAGGGTTGTTACGGTGAAATCCCAGAGCCACCGTTTCGTTTT[C>G]CACCTAGAGGACCACGGCTCCATCTCCGAGCCCCGCACTCACAACTGTGAACTCAACCCA-3'
Protein context (NP_001845.3, residues 1-18): MEPWSSR[Trp8Cys]KTKRWLWDFT

ClinVar aggregate classification (germline): Uncertain significance (0 of 4 stars; one submission).

Conditions:
COL11A1-related disorder. Also called: COL11A1-related disorders; COL11A1-related condition.

Allele frequency attached by ClinVar (database versions not stated): TOPMed 0.00001.

Submission:

PreventionGenetics, part of Exact Sciences
Classification: Uncertain significance for COL11A1-related condition. Last evaluated: 2023-10-24. Review status: no assertion criteria provided. Collection method: clinical testing. Allele origin: germline.
Comment: The COL11A1 c.24G>C variant is predicted to result in the amino acid substitution p.Trp8Cys. To our knowledge, this variant has not been reported in the literature or in a large population database, indicating this variant is rare. At this time, the clinical significance of this variant is uncertain due to the absence of conclusive functional and genetic evidence.